The following is an entry in ClinVar:

NM_001003694.2(BRPF1):c.3135C>T (p.Ser1045=)

Gene: BRPF1 (bromodomain and PHD finger containing 1; plus strand). Cytogenetic location: 3p25.3.
Variant type: single nucleotide variant.
Coding change: c.3135C>T on transcript NM_001003694.2 (MANE Select); coding-DNA position 3135, C replaced by T.
Protein change: p.Ser1045=; no amino-acid change (serine 1045 retained).
Molecular consequence: synonymous variant. On other transcripts: non-coding transcript variant (1).
Genome position (GRCh38, 1-based): chr3:9,745,639, C>T. VCF-style: chr3-9745639-C-T. GRCh37 (hg19) VCF-style: chr3-9787323-C-T.
Other names: c.2832C>T, p.Ser944= (NM_001319049.2); c.3114C>T, p.Ser1038= (NM_001319050.2); c.3132C>T, p.Ser1044= (NM_001410704.1); c.3117C>T, p.Ser1039= (NM_004634.3).
Identifiers: ClinVar variation 3025169 (VCV003025169.22), dbSNP rs2471515119, ClinGen allele CA432383681.
Genomic context (GRCh38, chr3:9,745,639, plus strand): 5'-GCCCTCAAAACAAGGCCGGGGCAAACCCTCCTTCTCTCGGGGCACTTTCCCAGAGGACAG[C>T]AGTGAGGATACCTCAGGCACTGAGAATGAGGCCTACTCCGTGGGCACTGGCCGCGGCGTG-3'
Protein context (NP_001003694.1, residues 1035-1055): SFSRGTFPED[Ser1045=]SEDTSGTENE

ClinVar aggregate classification (germline): Likely benign (1 of 4 stars; one submission).

Allele frequency attached by ClinVar (database versions not stated): gnomAD exomes below 0.00001.
gnomAD v4.1: 2 of 1,614,250 alleles (0.00012%); highest among the groups gnomAD compares: Non-Finnish European, 0.00017%; no homozygotes.

Submission:

CeGaT Center for Human Genetics Tuebingen
Classification: Likely benign. Last evaluated: 2024-02-01. Review status: criteria provided, single submitter. Criteria: CeGaT Center For Human Genetics Tuebingen Variant Classification Criteria Version 2. Collection method: clinical testing. Allele origin: germline. Affected: yes. Observed: 1 variant allele.
Comment: BRPF1: PM2:Supporting, BP4, BP7